The following is an entry in ClinVar:

ClinVar aggregate classification (germline): Uncertain significance. Review status: criteria provided, multiple submitters, no conflicts (2 of 4 stars). 2 submissions from 2 submitters: Uncertain significance (2). Last evaluated 2026-01-28.

Conditions:
Hereditary cancer-predisposing syndrome. Also called: Hereditary Cancer Syndrome; Tumor predisposition; Hereditary neoplastic syndrome; Neoplastic Syndromes, Hereditary. Identifiers: Orphanet 140162, MedGen C0027672, MeSH D009386, MONDO:0015356.
Tuberous sclerosis 2 (TSC2). Identifiers: Orphanet 805, MedGen C1860707, MONDO:0013199, OMIM 613254.

Allele frequency attached by ClinVar (database versions not stated): gnomAD exomes below 0.00001.
gnomAD v4.1: 1 of 1,609,378 alleles (0.000062%); highest among the groups gnomAD compares: African/African-American, 0.0013%; no homozygotes.

Submissions (2):

Labcorp Genetics (formerly Invitae), Labcorp
Classification: Uncertain significance for Tuberous sclerosis 2. Last evaluated: 2026-01-28. Review status: criteria provided, single submitter. Criteria: Invitae Variant Classification Sherloc (09022015). Collection method: clinical testing. Allele origin: germline.
Comment: This sequence change replaces lysine, which is basic and polar, with asparagine, which is neutral and polar, at codon 1415 of the TSC2 protein (p.Lys1415Asn). This variant is not present in population databases (gnomAD no frequency). This variant has not been reported in the literature in individuals affected with TSC2-related conditions. ClinVar contains an entry for this variant (Variation ID: 1056301). Invitae Evidence Modeling of protein sequence and biophysical properties (such as structural, functional, and spatial information, amino acid conservation, physicochemical variation, residue mobility, and thermodynamic stability) indicates that this missense variant is not expected to disrupt TSC2 protein function with a negative predictive value of 95%. RNA analysis performed to evaluate the impact of this missense change on mRNA splicing indicates it does not significantly alter splicing (internal data). In summary, the available evidence is currently insufficient to determine the role of this variant in disease. Therefore, it has been classified as a Variant of Uncertain Significance.

Ambry Genetics
Classification: Uncertain significance for Hereditary cancer-predisposing syndrome. Last evaluated: 2022-12-09. Review status: criteria provided, single submitter. Criteria: Ambry Variant Classification Scheme 2023. Collection method: clinical testing. Allele origin: germline.
Comment: The p.K1415N variant (also known as c.4245G>T), located in coding exon 33 of the TSC2 gene, results from a G to T substitution at nucleotide position 4245. The lysine at codon 1415 is replaced by asparagine, an amino acid with similar properties. This amino acid position is conserved. In addition, the in silico prediction for this alteration is inconclusive. Since supporting evidence is limited at this time, the clinical significance of this alteration remains unclear.

NM_000548.5(TSC2):c.4245G>T (p.Lys1415Asn)

Gene: TSC2 (TSC complex subunit 2; plus strand). Cytogenetic location: 16p13.3.
Variant type: single nucleotide variant.
Coding change: c.4245G>T on transcript NM_000548.5 (MANE Select); coding-DNA position 4245, G replaced by T.
Protein change: p.Lys1415Asn; replaces lysine 1415 with asparagine.
Molecular consequence: missense variant.
Genome position (GRCh38, 1-based): chr16:2,084,467, G>T. VCF-style: chr16-2084467-G-T. GRCh37 (hg19) VCF-style: chr16-2134468-G-T.
Other names: c.4245G>T (NM_000548.3); c.4044G>T, p.Lys1348Asn (NM_001077183.3); c.4176G>T, p.Lys1392Asn (NM_001114382.3); c.3936G>T, p.Lys1312Asn (NM_001318827.2); c.3900G>T, p.Lys1300Asn (NM_001318829.2); c.3513G>T, p.Lys1171Asn (NM_001318831.2); c.4077G>T, p.Lys1359Asn (NM_001318832.2); c.4047G>T, p.Lys1349Asn (NM_001363528.2); and 2 more; short protein forms K1171N, K1300N, K1312N, K1348N, K1349N, K1359N, K1371N, K1372N.
Identifiers: ClinVar variation 1056301 (VCV001056301.10), dbSNP rs1431882138, ClinGen allele CA394300392.